The following is an entry in ClinVar:

ClinVar aggregate classification (germline): Uncertain significance (1 of 4 stars; one submission).

Submission:

Labcorp Genetics (formerly Invitae), Labcorp
Classification: Uncertain significance. Last evaluated: 2022-03-19. Review status: criteria provided, single submitter. Criteria: Invitae Variant Classification Sherloc (09022015). Collection method: clinical testing. Allele origin: germline.
Comment: This variant has not been reported in the literature in individuals affected with EYS-related conditions. This sequence change replaces isoleucine, which is neutral and non-polar, with serine, which is neutral and polar, at codon 2848 of the EYS protein (p.Ile2848Ser). This variant is not present in population databases (gnomAD no frequency). Algorithms developed to predict the effect of missense changes on protein structure and function are either unavailable or do not agree on the potential impact of this missense change (SIFT: "Deleterious"; PolyPhen-2: "Benign"; Align-GVGD: "Class C0"). In summary, the available evidence is currently insufficient to determine the role of this variant in disease. Therefore, it has been classified as a Variant of Uncertain Significance.

NM_001142800.2(EYS):c.8543T>G (p.Ile2848Ser)

Genes: EYS (EGF-like photoreceptor maintenance factor; minus strand), PHF3 (PHD finger protein 3; plus strand). Cytogenetic location: 6q12.
Variant type: single nucleotide variant.
Coding change: c.8543T>G on transcript NM_001142800.2 (MANE Select); coding-DNA position 8543, T replaced by G.
Protein change: p.Ile2848Ser; replaces isoleucine 2848 with serine.
Molecular consequence: missense variant. On other transcripts: 3 prime UTR variant (5).
Genome position (GRCh38, 1-based): chr6:63,721,488, A>C on the plus strand (T>G on the coding strand, the complement: EYS is on the minus strand). VCF-style: chr6-63721488-A-C. GRCh37 (hg19) VCF-style: chr6-64431384-A-C.
Other names: c.*7780A>C (NM_001290259.2, NM_001370348.2, NM_001370349.2 and 2 more transcripts); c.8606T>G, p.Ile2869Ser (NM_001292009.2); short protein forms I2848S, I2869S.
Identifiers: ClinVar variation 1419402 (VCV001419402.6), dbSNP rs2149625119, ClinGen allele CA364384528.
Genomic context (GRCh38, chr6:63,721,488, plus strand): 5'-CCACCTTTTGCTCCAAATTCAGTTAATTGTAATTCTTGATTATTTATGATAACTTGTCGG[A>C]TACAGCCTTGAAAACCTACAGGTTCATTTTCTATTGCCATGGGATTTACAAGATTTAAAG-3'
Protein context (NP_001136272.1, residues 2838-2858): ENEPVGFQGC[Ile2848Ser]RQVIINNQEL